The following is an entry in ClinVar:

ClinVar aggregate classification (germline): Uncertain significance. Review status: criteria provided, multiple submitters, no conflicts (2 of 4 stars). 2 submissions from 2 submitters: Uncertain significance (2). Last evaluated 2024-09-17.

Conditions:
Evans syndrome, immunodeficiency, and premature immunosenescence associated with tripeptidyl-peptidase II deficiency. Identifiers: MedGen CN231723. Disease mechanism: loss of function.

Allele frequency attached by ClinVar (database versions not stated): gnomAD 0.00001 and 0.00004; ExAC 0.00002; gnomAD exomes 0.00002; TOPMed 0.00008.
gnomAD v4.1: 25 of 1,613,984 alleles (0.0015%); highest among the groups gnomAD compares: Admixed American, 0.0017%; no homozygotes.

Submissions (2):

Blueprint Genetics
Classification: Uncertain significance. Last evaluated: 2024-09-17. Review status: criteria provided, single submitter. Criteria: ACMG Guidelines, 2015. Collection method: clinical testing. Allele origin: germline.

Labcorp Genetics (formerly Invitae), Labcorp
Classification: Uncertain significance for Evans syndrome, immunodeficiency, and premature immunosenescence associated with tripeptidyl-peptidase II deficiency. Last evaluated: 2022-08-19. Review status: criteria provided, single submitter. Criteria: Invitae Variant Classification Sherloc (09022015). Collection method: clinical testing. Allele origin: germline.
Comment: In summary, the available evidence is currently insufficient to determine the role of this variant in disease. Therefore, it has been classified as a Variant of Uncertain Significance. Algorithms developed to predict the effect of missense changes on protein structure and function are either unavailable or do not agree on the potential impact of this missense change (SIFT: "Tolerated"; PolyPhen-2: "Probably Damaging"; Align-GVGD: "Class C0"). ClinVar contains an entry for this variant (Variation ID: 949219). This variant has not been reported in the literature in individuals affected with TPP2-related conditions. This variant is present in population databases (rs759001033, gnomAD 0.004%). This sequence change replaces isoleucine, which is neutral and non-polar, with valine, which is neutral and non-polar, at codon 431 of the TPP2 protein (p.Ile431Val).

NM_001330588.2(TPP2):c.1291A>G (p.Ile431Val)

Gene: TPP2 (tripeptidyl peptidase 2; plus strand). Cytogenetic location: 13q33.1.
Variant type: single nucleotide variant.
Coding change: c.1291A>G on transcript NM_001330588.2 (MANE Select); coding-DNA position 1291, A replaced by G.
Protein change: p.Ile431Val; replaces isoleucine 431 with valine.
Molecular consequence: missense variant. On other transcripts: non-coding transcript variant (1).
Genome position (GRCh38, 1-based): chr13:102,633,996, A>G. VCF-style: chr13-102633996-A-G. GRCh37 (hg19) VCF-style: chr13-103286346-A-G.
Other names: c.1291A>G, p.Ile431Val (NM_001367947.1, NM_003291.4); short protein forms I431V.
Identifiers: ClinVar variation 949219 (VCV000949219.8), dbSNP rs759001033, ClinGen allele CA7037709.